The following is an entry in ClinVar:

ClinVar aggregate classification (germline): Uncertain significance (1 of 4 stars; one submission).

Submission:

CeGaT Center for Human Genetics Tuebingen
Classification: Uncertain significance. Last evaluated: 2024-02-01. Review status: criteria provided, single submitter. Criteria: CeGaT Center For Human Genetics Tuebingen Variant Classification Criteria Version 2. Collection method: clinical testing. Allele origin: germline. Affected: yes. Observed: 1 variant allele.
Comment: TWNK: PM2, PP3

NM_021830.5(TWNK):c.95C>G (p.Ala32Gly)

Gene: TWNK (twinkle mtDNA helicase; plus strand). Cytogenetic location: 10q24.31.
Variant type: single nucleotide variant.
Coding change: c.95C>G on transcript NM_021830.5 (MANE Select); coding-DNA position 95, C replaced by G.
Protein change: p.Ala32Gly; replaces alanine 32 with glycine.
Molecular consequence: missense variant. On other transcripts: non-coding transcript variant (4), intron variant (3).
Genome position (GRCh38, 1-based): chr10:100,988,305, C>G. VCF-style: chr10-100988305-C-G. GRCh37 (hg19) VCF-style: chr10-102748062-C-G.
Other names: c.95C>G, p.Ala32Gly (NM_001163812.2); c.-120+692C>G (NM_001163814.2, NM_001163813.2); c.-58+692C>G (NM_001368275.1); short protein forms A32G.
Identifiers: ClinVar variation 3027215 (VCV003027215.22), dbSNP rs2493625908, ClinGen allele CA378205961.